The following is an entry in ClinVar:

ClinVar aggregate classification (germline): Uncertain significance (1 of 4 stars; one submission).

Conditions:
Inborn genetic diseases. Identifiers: MedGen C0950123, MeSH D030342.

gnomAD v4.1: 4 of 1,613,980 alleles (0.00025%); highest among the groups gnomAD compares: Non-Finnish European, 0.00034%; no homozygotes.

Submission:

Ambry Genetics
Classification: Uncertain significance for Inborn genetic diseases. Last evaluated: 2022-11-14. Review status: criteria provided, single submitter. Criteria: Ambry Variant Classification Scheme 2023. Collection method: clinical testing. Allele origin: germline.
Comment: The c.15184-6G>T intronic alteration consists of a G to T substitution 6 nucleotides before coding exon 87 in the MACF1 gene. Based on insufficient or conflicting evidence, the clinical significance of this alteration remains unclear.

NM_001394062.1(MACF1):c.21361-6G>T

Gene: MACF1 (microtubule actin crosslinking factor 1; plus strand). Cytogenetic location: 1p34.3.
Variant type: single nucleotide variant.
Coding change: c.21361-6G>T on transcript NM_001394062.1 (MANE Select); 6 bases into the intron before coding-DNA position 21361, G replaced by T.
Molecular consequence: intron variant.
Genome position (GRCh38, 1-based): chr1:39,460,626, G>T. VCF-style: chr1-39460626-G-T. GRCh37 (hg19) VCF-style: chr1-39926298-G-T.
Other names: c.15184-6G>T (NM_012090.5); c.9439-6G>T (NM_001397473.1).
Identifiers: ClinVar variation 2314970 (VCV002314970.2), dbSNP rs754271091, ClinGen allele CA522801754.
Genomic context (GRCh38, chr1:39,460,626, plus strand): 5'-TATGCTCTGGGCAGCTTTTGAGGGCCCAAAAAATAAATCTTATTGACACTTCTGATTTCT[G>T]TGTAGTTGAAAGAATTTGCCAACTTTGACTTTGATGTCTGGAGGAAAAAGTATATGCGTT-3'